The following is an entry in ClinVar:

ClinVar aggregate classification (germline): Likely pathogenic (1 of 4 stars; one submission).

Conditions:
Snijders Blok-Campeau syndrome. Also called: INTELLECTUAL DEVELOPMENTAL DISORDER WITH MACROCEPHALY, SPEECH DELAY, AND DYSMORPHIC FACIES. Identifiers: Orphanet 599082, MedGen C4748701, MONDO:0032600, OMIM 618205.

gnomAD v4.1: 1 of 1,614,118 alleles (0.000062%); highest among the groups gnomAD compares: Non-Finnish European, 0.000085%; no homozygotes.

Submission:

Gansu Provincial Maternity and Child Care Hospital
Classification: Likely pathogenic for Snijders Blok-Campeau syndrome. Last evaluated: 2026-06-02. Review status: criteria provided, single submitter. Criteria: ACMG Guidelines, 2015. Collection method: clinical testing. Allele origin: de novo. Inheritance: Autosomal dominant inheritance. Affected: yes.
Comment: The c.1123G>C variant is a missense variant. Parental verification confirmed it as a de novo variant (PS2). This site is not recorded in the gnomAD database (PM2_supporting).Multiple in silico tools predicted a deleterious effect (PP3).This variant is classified as Likely pathogenic.

NM_001005273.3(CHD3):c.1123G>C (p.Glu375Gln)

Genes: CHD3 (chromodomain helicase DNA binding protein 3; plus strand), LOC126862484 (CDK7 strongly-dependent group 2 enhancer GRCh37_chr17:7797066-7798265; plus strand). Cytogenetic location: 17p13.1.
Variant type: single nucleotide variant.
Coding change: c.1123G>C on transcript NM_001005273.3 (MANE Select); coding-DNA position 1123, G replaced by C.
Protein change: p.Glu375Gln; replaces glutamic acid 375 with glutamine.
Molecular consequence: missense variant.
Genome position (GRCh38, 1-based): chr17:7,894,462, G>C. VCF-style: chr17-7894462-G-C. GRCh37 (hg19) VCF-style: chr17-7797780-G-C.
Other names: c.1300G>C, p.Glu434Gln (NM_001005271.3, NM_001437504.1); c.1288G>C, p.Glu430Gln (NM_001437507.1, NM_001437508.1, NM_001437509.1); c.1123G>C, p.Glu375Gln (NM_005852.4); short protein forms E375Q, E430Q, E434Q.
Identifiers: ClinVar variation 4856410 (VCV004856410.1).
Genomic context (GRCh38, chr17:7,894,462, plus strand): 5'-GGGTATATGACAGTCCTGGGCTGTCCTGCAGTGGCCGGGGAGGAGGAGGTTGATGGCTAC[G>C]AGACGGATCACCAGGATTACTGTGAGGTGTGCCAGCAGGGTGGGGAAATTATTCTGTGTG-3'
Protein context (NP_001005273.1, residues 365-385): VAGEEEVDGY[Glu375Gln]TDHQDYCEVC